The following is an entry in ClinVar:

NC_000015.9:g.(?_44859602)_(44889161_?)del

Gene: SPG11 (SPG11 vesicle trafficking associated, spatacsin; minus strand). Cytogenetic location: 15q21.1.
Variant type: Deletion.
Identifiers: ClinVar variation 3243788 (VCV003243788.1).

ClinVar aggregate classification (germline): Pathogenic (1 of 4 stars; one submission).

Conditions:
Hereditary spastic paraplegia 11. Also called: Spastic paraplegia, mental retardation and thin corpus callosum; SPASTIC PARAPLEGIA, AUTOSOMAL RECESSIVE, COMPLICATED, WITH THIN CORPUS CALLOSUM; SPASTIC PARAPLEGIA, AUTOSOMAL RECESSIVE, WITH MENTAL IMPAIRMENT AND THIN CORPUS CALLOSUM; Spastic Paraplegia 11; Nakamura Osame syndrome; Autosomal recessive hereditary spastic paraplegia, mental impairment, and thin corpus callosum. Identifiers: Orphanet 2822, MedGen C1858479, MONDO:0011445, OMIM 604360.

Submission:

Labcorp Genetics (formerly Invitae), Labcorp
Classification: Pathogenic for Hereditary spastic paraplegia 11. Last evaluated: 2023-06-17. Review status: criteria provided, single submitter. Criteria: Invitae Variant Classification Sherloc (09022015). Collection method: clinical testing. Allele origin: unknown.
Comment: This variant is a gross deletion of the genomic region encompassing exon(s) 24-36 of the SPG11 gene. This deletion is out-of-frame, and is expected to create a premature termination codon and result in an absent or disrupted protein product. Loss-of-function variants in SPG11 are known to be pathogenic (PMID: 19105190, 20110243, 22154821, 26556829). This variant has not been reported in the literature in individuals affected with SPG11-related conditions. For these reasons, this variant has been classified as Pathogenic.

Literature cited by the submitters: PubMed 19105190; PubMed 20110243; PubMed 22154821; PubMed 26556829.